The following is an entry in ClinVar:

ClinVar aggregate classification (germline): Uncertain significance (1 of 4 stars; one submission).

Submission:

Labcorp Genetics (formerly Invitae), Labcorp
Classification: Uncertain significance. Last evaluated: 2025-03-26. Review status: criteria provided, single submitter. Criteria: Invitae Variant Classification Sherloc (09022015). Collection method: clinical testing. Allele origin: germline.
Comment: This sequence change replaces alanine, which is neutral and non-polar, with glycine, which is neutral and non-polar, at codon 161 of the EFEMP1 protein (p.Ala161Gly). This variant is not present in population databases (gnomAD no frequency). This variant has not been reported in the literature in individuals affected with EFEMP1-related conditions. ClinVar contains an entry for this variant (Variation ID: 2759970). Invitae Evidence Modeling of protein sequence and biophysical properties (such as structural, functional, and spatial information, amino acid conservation, physicochemical variation, residue mobility, and thermodynamic stability) indicates that this missense variant is not expected to disrupt EFEMP1 protein function with a negative predictive value of 80%. In summary, the available evidence is currently insufficient to determine the role of this variant in disease. Therefore, it has been classified as a Variant of Uncertain Significance.

NM_001039348.3(EFEMP1):c.482C>G (p.Ala161Gly)

Gene: EFEMP1 (EGF-like fibulin extracellular matrix protein 1; minus strand). Cytogenetic location: 2p16.1.
Variant type: single nucleotide variant.
Coding change: c.482C>G on transcript NM_001039348.3 (MANE Select); coding-DNA position 482, C replaced by G.
Protein change: p.Ala161Gly; replaces alanine 161 with glycine.
Molecular consequence: missense variant.
Genome position (GRCh38, 1-based): chr2:55,917,700, G>C on the plus strand (C>G on the coding strand, the complement: EFEMP1 is on the minus strand). VCF-style: chr2-55917700-G-C. GRCh37 (hg19) VCF-style: chr2-56144835-G-C.
Other names: c.482C>G, p.Ala161Gly (NM_001039349.3); short protein forms A161G.
Identifiers: ClinVar variation 2759970 (VCV002759970.3), dbSNP rs1252224176, ClinGen allele CA347026372.